The following is an entry in ClinVar:

ClinVar aggregate classification (germline): Pathogenic (1 of 4 stars; one submission).

Conditions:
Ataxia-telangiectasia syndrome (AT). Also called: LOUIS-BAR SYNDROME; Cerebello-oculocutaneous telangiectasia; Immunodeficiency with ataxia telangiectasia; AT, COMPLEMENTATION GROUP C; Ataxia-telangiectasia, complementation group D; ATAXIA-TELANGIECTASIA, COMPLEMENTATION GROUP A. Identifiers: Orphanet 100, MedGen C0004135, MONDO:0008840, OMIM 208900.

Submission:

Labcorp Genetics (formerly Invitae), Labcorp
Classification: Pathogenic for Ataxia-telangiectasia syndrome. Last evaluated: 2018-05-01. Review status: criteria provided, single submitter. Criteria: Invitae Variant Classification Sherloc (09022015). Collection method: clinical testing. Allele origin: unknown.
Comment: This variant is a gross deletion of the genomic region encompassing exons 2-38 of the ATM gene, which includes the initiator codon. The 5' end of this event is unknown as it extends beyond the assayed region for this gene and therefore may encompass additional genes. The 3' boundary is likely confined to intron 38¬†of the ATM gene. This is expected to result in an absent or disrupted protein product. For these reasons, this variant has been classified as Pathogenic. Loss-of-function variants in ATM are known to be pathogenic (PMID: 23807571, 25614872). This variant has not been reported in the literature in individuals with ATM-related disease.

Literature cited by the submitters: PubMed 23807571; PubMed 25614872.

NC_000011.9:g.(?_107829383)_(108179594_?)del

Genes: ACAT1 (acetyl-CoA acetyltransferase 1; plus strand), ATM (ATM serine/threonine kinase; plus strand), CUL5 (cullin 5; plus strand), NPAT (nuclear protein, coactivator of histone transcription; minus strand), RAB39A (RAB39A, member RAS oncogene family; plus strand). Cytogenetic location: 11q22.3.
Variant type: Deletion.
Identifiers: ClinVar variation 3244457 (VCV003244457.1).